The following is an entry in ClinVar:

NM_000781.3(CYP11A1):c.508_509del (p.Leu170fs)

Gene: CYP11A1 (cytochrome P450 family 11 subfamily A member 1; minus strand). Cytogenetic location: 15q24.1.
Variant type: Deletion.
Coding change: c.508_509del on transcript NM_000781.3 (MANE Select); coding-DNA positions 508 to 509, 2 bases deleted (CT; older notation c.508_509delCT).
Protein change: p.Leu170fs; shifts the reading frame from leucine 170.
Molecular consequence: frameshift variant.
Genome position (GRCh38, 1-based): chr15:74,345,160-74,345,161, AG deleted on the plus strand (CT on the coding strand, the reverse complement: CYP11A1 is on the minus strand). VCF-style (leftmost placement, unchanged base first): chr15-74345159-CAG-C. GRCh37 (hg19) VCF-style: chr15-74637500-CAG-C.
Other names: c.508_509delCT (NM_000781.2, NM_000781.3); c.34_35del, p.Leu12fs (NM_001099773.2); c.508_509del (NM_000781.2); short protein forms L170fs, L12fs.
Identifiers: ClinVar variation 631742 (VCV000631742.11), dbSNP rs1567053134, ClinGen allele CA913190516.

ClinVar aggregate classification (germline): Pathogenic. Review status: criteria provided, multiple submitters, no conflicts (2 of 4 stars). 5 submissions from 5 submitters: Pathogenic (5). Last evaluated 2026-02-27.

Conditions:
CYP11A1-related disorder. Also called: CYP11A1-related condition.
Congenital adrenal insufficiency with 46, XY sex reversal OR 46,XY disorder of sex development-adrenal insufficiency due to CYP11A1 deficiency. Also called: P450scc DEFICIENCY; Congenital adrenal insuffiency with 46, XY sex reversal OR 46,XY disorder of sex development-adrenal insufficiency due to CYP11A1 deficiency. Identifiers: Orphanet 168558, MedGen C3151055, MONDO:0013400, OMIM 613743.

Allele frequency attached by ClinVar (database versions not stated): gnomAD exomes below 0.00001; TOPMed below 0.00001.

Submissions (5):

PreventionGenetics, part of Exact Sciences
Classification: Pathogenic for CYP11A1-related condition. Last evaluated: 2026-02-27. Review status: criteria provided, single submitter. Criteria: ACMG Guidelines, 2015. Collection method: clinical testing. Allele origin: germline.
Comment: The CYP11A1 c.508_509delCT variant is predicted to result in a frameshift and premature protein termination (p.Leu171Glyfs*29). This variant has been reported in the compound heterozygous or homozygous state in individuals with autosomal recessive CYP11A1-related adrenal insufficiency (Pomahačová et al. 2016. PubMed ID: 27008691; Table S2, Bowling et al. 2021. PubMed ID: 34930662). This variant has not been reported in a large population database (gnomAD), indicating this variant is rare. Frameshift variants in CYP11A1 are expected to be pathogenic. This variant is interpreted as pathogenic.

Myriad Genetics, Inc.
Classification: Pathogenic for Congenital adrenal insufficiency with 46, XY sex reversal OR 46,XY disorder of sex development-adrenal insufficiency due to CYP11A1 deficiency. Last evaluated: 2025-10-27. Review status: criteria provided, single submitter. Criteria: Myriad Autosomal Dominant, Autosomal Recessive and X-Linked Classification Criteria (2023). Collection method: clinical testing. Allele origin: unknown.
Comment: NM_000781.2(CYP11A1):c.508_509delCT(L170Vfs*30) is a frameshift variant classified as pathogenic in the context of congenital adrenal hyperplasia, CYP11A1-related. L170Vfs*30 has been observed in cases with relevant disease (PMID: 27008691, 34930662). Relevant functional assessments of this variant are not available in the literature. L170Vfs*30 has not been observed in referenced population frequency databases. In summary, NM_000781.2(CYP11A1):c.508_509delCT(L170Vfs*30) is a frameshift variant in a gene where loss of function is a known mechanism of disease, is predicted to disrupt protein function, and has been observed more frequently in cases with the relevant disease than in healthy populations. Please note: this variant was assessed in the context of healthy population screening.

Labcorp Genetics (formerly Invitae), Labcorp
Classification: Pathogenic. Last evaluated: 2023-11-10. Review status: criteria provided, single submitter. Criteria: Invitae Variant Classification Sherloc (09022015). Collection method: clinical testing. Allele origin: germline.
Comment: This sequence change creates a premature translational stop signal (p.Leu170Valfs*30) in the CYP11A1 gene. It is expected to result in an absent or disrupted protein product. Loss-of-function variants in CYP11A1 are known to be pathogenic (PMID: 15507506, 22435390, 27855232, 229968487). This variant is not present in population databases (gnomAD no frequency). This premature translational stop signal has been observed in individual(s) with autosomal recessive adrenal insufficiency due to SCC enzyme deficiency (PMID: 27008691). ClinVar contains an entry for this variant (Variation ID: 631742). For these reasons, this variant has been classified as Pathogenic.

GeneDx
Classification: Pathogenic. Last evaluated: 2023-03-17. Review status: criteria provided, single submitter. Criteria: GeneDx Variant Classification Process June 2021. Collection method: clinical testing. Allele origin: germline. Affected: yes.
Comment: Observed in homozygous state and with a second CYP11A1 variant on the opposite allele (in trans) in unrelated patients with CYP11A1-related congenital adrenal insufficiency referred for genetic testing at GeneDx and in the literature (Pomahacova et al., 2016; Bowling et al., 2022); Frameshift variant predicted to result in protein truncation or nonsense mediated decay in a gene for which loss of function is a known mechanism of disease; Not observed at significant frequency in large population cohorts (gnomAD); This variant is associated with the following publications: (PMID: 34930662, 27008691)

HudsonAlpha Institute for Biotechnology
Classification: Pathogenic for Congenital adrenal insufficiency with 46, XY sex reversal OR 46,XY disorder of sex development-adrenal insufficiency due to CYP11A1 deficiency. Last evaluated: 2019-08-15. Review status: criteria provided, single submitter. Criteria: ACMG Guidelines, 2015. Collection method: research. Allele origin: inherited. Affected: yes. Observed: 1 variant allele. Study: CSER-SouthSeq.
Comment: ACMG codes: PVS1, PM2, PP4

Literature cited by the submitters: PubMed 27008691 (cited by Myriad Genetics, Inc. and Labcorp Genetics (formerly Invitae), Labcorp); PubMed 34930662 (cited by Myriad Genetics, Inc.); PubMed 15507506 (cited by Labcorp Genetics (formerly Invitae), Labcorp); PubMed 22435390 (cited by Labcorp Genetics (formerly Invitae), Labcorp); PubMed 27855232 (cited by Labcorp Genetics (formerly Invitae), Labcorp); PubMed 229968487 (cited by Labcorp Genetics (formerly Invitae), Labcorp).